The following is an entry in ClinVar:

ClinVar aggregate classification (germline): Uncertain significance (1 of 4 stars; one submission).

Allele frequency attached by ClinVar (database versions not stated): gnomAD 0.00001; gnomAD exomes 0.00001; ExAC 0.00002.
gnomAD v4.1: 6 of 1,614,002 alleles (0.00037%); highest among the groups gnomAD compares: Non-Finnish European, 0.00025%; no homozygotes.

Submission:

Labcorp Genetics (formerly Invitae), Labcorp
Classification: Uncertain significance. Last evaluated: 2024-01-08. Review status: criteria provided, single submitter. Criteria: Invitae Variant Classification Sherloc (09022015). Collection method: clinical testing. Allele origin: germline.
Comment: This sequence change replaces serine, which is neutral and polar, with threonine, which is neutral and polar, at codon 436 of the ALPK1 protein (p.Ser436Thr). This variant is present in population databases (rs764964716, gnomAD 0.002%). This variant has not been reported in the literature in individuals affected with ALPK1-related conditions. Advanced modeling of protein sequence and biophysical properties (such as structural, functional, and spatial information, amino acid conservation, physicochemical variation, residue mobility, and thermodynamic stability) performed at Invitae indicates that this missense variant is not expected to disrupt ALPK1 protein function with a negative predictive value of 80%. In summary, the available evidence is currently insufficient to determine the role of this variant in disease. Therefore, it has been classified as a Variant of Uncertain Significance.

NM_025144.4(ALPK1):c.1307G>C (p.Ser436Thr)

Gene: ALPK1 (alpha kinase 1; plus strand). Cytogenetic location: 4q25.
Variant type: single nucleotide variant.
Coding change: c.1307G>C on transcript NM_025144.4 (MANE Select); coding-DNA position 1307, G replaced by C.
Protein change: p.Ser436Thr; replaces serine 436 with threonine.
Molecular consequence: missense variant.
Genome position (GRCh38, 1-based): chr4:112,430,854, G>C. VCF-style: chr4-112430854-G-C. GRCh37 (hg19) VCF-style: chr4-113352010-G-C.
Other names: c.1307G>C, p.Ser436Thr (NM_001102406.2); c.1073G>C, p.Ser358Thr (NM_001253884.2); short protein forms S358T, S436T.
Identifiers: ClinVar variation 2791777 (VCV002791777.3), dbSNP rs764964716, ClinGen allele CA3046701.